The following is an entry in ClinVar:

NM_207346.3(TSEN54):c.1292A>G (p.His431Arg)

Gene: TSEN54 (tRNA splicing endonuclease subunit 54; plus strand). Cytogenetic location: 17q25.1.
Variant type: single nucleotide variant.
Coding change: c.1292A>G on transcript NM_207346.3 (MANE Select); coding-DNA position 1292, A replaced by G.
Protein change: p.His431Arg; replaces histidine 431 with arginine.
Molecular consequence: missense variant.
Genome position (GRCh38, 1-based): chr17:75,523,314, A>G. VCF-style: chr17-75523314-A-G. GRCh37 (hg19) VCF-style: chr17-73519395-A-G.
Other names: short protein forms H431R.
Identifiers: ClinVar variation 4976198 (VCV004976198.1).

ClinVar aggregate classification (germline): Uncertain significance (1 of 4 stars; one submission).

gnomAD v4.1: 7 of 1,614,038 alleles (0.00043%); highest among the groups gnomAD compares: Admixed American, 0.0017%; no homozygotes.

Submission:

GeneDx
Classification: Uncertain significance. Last evaluated: 2026-02-14. Review status: criteria provided, single submitter. Criteria: GeneDx Variant Classification Process June 2021. Collection method: clinical testing. Allele origin: germline.
Comment: Not observed at significant frequency in large population cohorts (gnomAD); In silico analysis supports that this missense variant has a deleterious effect on protein structure/function; Has not been previously published as pathogenic or benign to our knowledge